The following is an entry in ClinVar:

ClinVar aggregate classification (germline): Likely pathogenic (1 of 4 stars; one submission).

Conditions:
Karayol-Borroto-Haghshenas neurodevelopmental syndrome. Identifiers: MedGen C5975476, MONDO:0975836, OMIM 620985.

Submission:

Institute of Human Genetics, University of Leipzig Medical Center
Classification: Likely pathogenic for Karayol-Borroto-Haghshenas neurodevelopmental syndrome. Last evaluated: 2025-04-17. Review status: criteria provided, single submitter. Criteria: ACMG Guidelines, 2015. Collection method: clinical testing. Allele origin: unknown. Inheritance: Autosomal dominant inheritance. Affected: yes.
Comment: Criteria applied: PVS1_STR,PM2

NM_018133.4(MSL2):c.1231_1232del (p.Ser411_His412insTer)

Gene: MSL2 (MSL complex subunit 2; minus strand). Cytogenetic location: 3q22.3.
Variant type: Microsatellite.
Coding change: c.1231_1232del on transcript NM_018133.4 (MANE Select); coding-DNA positions 1231 to 1232, 2 bases deleted (AG; older notation c.1231_1232delAG).
Protein change: p.Ser411_His412insTer.
Molecular consequence: frameshift variant.
Genome position (GRCh38, 1-based): chr3:136,151,649-136,151,650, CT deleted on the plus strand (AG on the coding strand, the reverse complement: MSL2 is on the minus strand); deleting any 2 consecutive bases within chr3:136,151,649-136,151,652 gives the same sequence; the c. name uses the placement nearest the transcript's 3' end. VCF-style (leftmost placement, unchanged base first): chr3-136151648-ACT-A. GRCh37 (hg19) VCF-style: chr3-135870490-ACT-A.
Other names: c.1009_1010del, p.Ser337_His338insTer (NM_001145417.2).
Identifiers: ClinVar variation 3901175 (VCV003901175.1).
Genomic context (GRCh38, chr3:136,151,648, plus strand): 5'-GTCTTTTTTAAGAATACCTGGCTTGGTTTTAGAGTGAGATTTCTTGGATCCATGTTCATG[ACT>A]CTTTTTCATGCTTTTAGTAGATAAAAGTACAGTTTTGCTGATTTTAGGTGTTGTGCCTCC-3'